The following is an entry in ClinVar:

NM_005002.5(NDUFA9):c.553-9A>G

Gene: NDUFA9 (NADH:ubiquinone oxidoreductase subunit A9; plus strand). Cytogenetic location: 12p13.32.
Variant type: single nucleotide variant.
Coding change: c.553-9A>G on transcript NM_005002.5 (MANE Select); 9 bases into the intron before coding-DNA position 553, A replaced by G.
Molecular consequence: intron variant.
Genome position (GRCh38, 1-based): chr12:4,662,524, A>G. VCF-style: chr12-4662524-A-G. GRCh37 (hg19) VCF-style: chr12-4771690-A-G.
Identifiers: ClinVar variation 512313 (VCV000512313.11), dbSNP rs150765610, ClinGen allele CA6398138.

ClinVar aggregate classification (germline): Likely benign. Review status: criteria provided, multiple submitters, no conflicts (2 of 4 stars). 3 submissions from 3 submitters: Likely benign (2). 1 of the submissions does not count toward it. Last evaluated 2026-02-01.

Conditions:
NDUFA9-related disorder. Also called: NDUFA9-related condition.

Allele frequency attached by ClinVar (database versions not stated): 1000 Genomes Project 30x 0.00016; TOPMed 0.00017; gnomAD exomes 0.00018 and 0.00039; 1000 Genomes Project 0.00020; gnomAD 0.00020 and 0.00021; ESP Exome Variant Server 0.00046.
gnomAD v4.1: 607 of 1,609,944 alleles (0.038%); highest among the groups gnomAD compares: Non-Finnish European, 0.048%; no homozygotes.

Submissions (3):

Labcorp Genetics (formerly Invitae), Labcorp
Classification: Likely benign. Last evaluated: 2026-02-01. Review status: criteria provided, single submitter. Criteria: Invitae Variant Classification Sherloc (09022015). Collection method: clinical testing. Allele origin: germline.

GeneDx
Classification: Likely benign. Last evaluated: 2017-10-12. Review status: criteria provided, single submitter. Criteria: GeneDx Variant Classification (06012015). Collection method: clinical testing. Allele origin: germline. Affected: yes.
Comment: This variant is considered likely benign or benign based on one or more of the following criteria: it is a conservative change, it occurs at a poorly conserved position in the protein, it is predicted to be benign by multiple in silico algorithms, and/or has population frequency not consistent with disease.

PreventionGenetics, part of Exact Sciences
Classification: Likely benign for NDUFA9-related condition. Last evaluated: 2019-03-29. Review status: no assertion criteria provided. Collection method: clinical testing. Allele origin: germline. Not counted in ClinVar's aggregate classification.
Comment: This variant is classified as likely benign based on ACMG/AMP sequence variant interpretation guidelines (Richards et al. 2015 PMID: 25741868, with internal and published modifications).